The following is an entry in ClinVar:

ClinVar aggregate classification (germline): Uncertain significance. Review status: criteria provided, multiple submitters, no conflicts (2 of 4 stars). 4 submissions from 4 submitters: Uncertain significance (4). Last evaluated 2025-11-05.

Conditions:
Congenital disorder of glycosylation with defective fucosylation 2 (CDGF2). Identifiers: MedGen C5193028, MONDO:0020777, OMIM 618324.

Allele frequency attached by ClinVar (database versions not stated): gnomAD 0.00002 and 0.00003; gnomAD exomes 0.00002 and 0.00009; ExAC 0.00007; 1000 Genomes Project 0.00020; 1000 Genomes Project 30x 0.00031.
gnomAD v4.1: 45 of 1,613,874 alleles (0.0028%); highest among the groups gnomAD compares: Middle Eastern, 0.083%; no homozygotes.

Submissions (4):

Labcorp Genetics (formerly Invitae), Labcorp
Classification: Uncertain significance. Last evaluated: 2025-11-05. Review status: criteria provided, single submitter. Criteria: Invitae Variant Classification Sherloc (09022015). Collection method: clinical testing. Allele origin: germline.
Comment: This sequence change replaces methionine, which is neutral and non-polar, with threonine, which is neutral and polar, at codon 996 of the FUK protein (p.Met996Thr). This variant is present in population databases (rs186359879, gnomAD 0.04%). This variant has not been reported in the literature in individuals affected with FUK-related conditions. ClinVar contains an entry for this variant (Variation ID: 1682403). An algorithm developed to predict the effect of missense changes on protein structure and function (PolyPhen-2) suggests that this variant is likely to be disruptive. In summary, the available evidence is currently insufficient to determine the role of this variant in disease. Therefore, it has been classified as a Variant of Uncertain Significance.

Ambry Genetics
Classification: Uncertain significance. Last evaluated: 2025-08-02. Review status: criteria provided, single submitter. Criteria: Ambry Variant Classification Scheme 2023. Collection method: clinical testing. Allele origin: germline.

3billion
Classification: Uncertain significance for Congenital disorder of glycosylation with defective fucosylation 2. Last evaluated: 2025-04-21. Review status: criteria provided, single submitter. Criteria: ACMG Guidelines, 2015. Collection method: clinical testing. Allele origin: germline. Affected: yes.

Breakthrough Genomics
Classification: Uncertain significance. Review status: criteria provided, single submitter. Criteria: ACMG Guidelines, 2015. Collection method: not provided. Allele origin: germline. Inheritance: Autosomal recessive inheritance. Affected: yes.

NM_145059.3(FCSK):c.2987T>C (p.Met996Thr)

Gene: FCSK (fucose kinase; plus strand). Cytogenetic location: 16q22.1.
Variant type: single nucleotide variant.
Coding change: c.2987T>C on transcript NM_145059.3 (MANE Select); coding-DNA position 2987, T replaced by C.
Protein change: p.Met996Thr; replaces methionine 996 with threonine.
Molecular consequence: missense variant.
Genome position (GRCh38, 1-based): chr16:70,479,237, T>C. VCF-style: chr16-70479237-T-C. GRCh37 (hg19) VCF-style: chr16-70513140-T-C.
Other names: c.2987T>C (NM_145059.2); short protein forms M996T.
Identifiers: ClinVar variation 1682403 (VCV001682403.10), dbSNP rs186359879, ClinGen allele CA8143838.